The following is an entry in ClinVar:

NM_006767.4(LZTR1):c.1118C>A (p.Ser373Ter)

Gene: LZTR1 (leucine zipper like post translational regulator 1; plus strand). Cytogenetic location: 22q11.21.
Variant type: single nucleotide variant.
Coding change: c.1118C>A on transcript NM_006767.4 (MANE Select); coding-DNA position 1118, C replaced by A.
Protein change: p.Ser373Ter; replaces serine 373 with a stop codon.
Molecular consequence: nonsense.
Genome position (GRCh38, 1-based): chr22:20,992,338, C>A. VCF-style: chr22-20992338-C-A. GRCh37 (hg19) VCF-style: chr22-21346627-C-A.
Other names: short protein forms S373*.
Identifiers: ClinVar variation 3993100 (VCV003993100.3).

ClinVar aggregate classification (germline): Pathogenic/Likely pathogenic. Review status: criteria provided, multiple submitters, no conflicts (2 of 4 stars). 2 submissions from 2 submitters: Pathogenic (1); Likely pathogenic (1). Last evaluated 2025-05-29.

Conditions:
Hereditary cancer-predisposing syndrome. Also called: Hereditary neoplastic syndrome; Neoplastic Syndromes, Hereditary; Tumor predisposition; Hereditary Cancer Syndrome. Identifiers: Orphanet 140162, MedGen C0027672, MeSH D009386, MONDO:0015356.
Cardiovascular phenotype. Identifiers: MedGen CN230736.
Noonan syndrome 2 (NS2). Identifiers: Orphanet 648, MedGen C1854469, MONDO:0011531, OMIM 605275.

Submissions (2):

Ambry Genetics
Classification: Pathogenic for Cardiovascular phenotype; Hereditary cancer-predisposing syndrome. Last evaluated: 2025-05-29. Review status: criteria provided, single submitter. Criteria: Ambry Variant Classification Scheme 2023. Collection method: clinical testing. Allele origin: germline.
Comment: The p.S373* pathogenic mutation (also known as c.1118C>A), located in coding exon 10 of the LZTR1 gene, results from a C to A substitution at nucleotide position 1118. This changes the amino acid from a serine to a stop codon within coding exon 10. This alteration is expected to result in loss of function by premature protein truncation or nonsense-mediated mRNA decay. Loss-of-function variants in LZTR1 are related to an increased risk for schwannomas and autosomal recessive Noonan syndrome; however, such associations with autosomal dominant Noonan syndrome have not been observed (Piotrowski A et al. Nat Genet. 2014 Feb;46:182-7; Yamamoto GL et al. J Med Genet. 2015 Jun;52:413-21; Johnston JJ et al. Genet Med. 2018 10;20:1175-1185). Based on the supporting evidence, this variant is pathogenic for an increased risk of LZTR1-related schwannomatosis (SWN) and would be expected to cause autosomal recessive Noonan syndrome when present along with a second pathogenic or likely pathogenic variant on the other allele; however, the association of this alteration with autosomal dominant Noonan syndrome is unlikely.

Juno Genomics, Hangzhou Juno Genomics, Inc
Classification: Likely pathogenic for Noonan syndrome 2. Review status: criteria provided, single submitter. Criteria: ACMG Guidelines, 2015. Collection method: clinical testing. Allele origin: germline.
Comment: Null variant in a gene where loss of function (LOF) is a known mechanism of disease.;Absent from controls (or at extremely low frequency if recessive) in Genome Aggregation Database.